The following is an entry in ClinVar:

NM_201269.3(ZNF644):c.1667T>C (p.Met556Thr)

Gene: ZNF644 (zinc finger protein 644; minus strand). Cytogenetic location: 1p22.2.
Variant type: single nucleotide variant.
Coding change: c.1667T>C on transcript NM_201269.3 (MANE Select); coding-DNA position 1667, T replaced by C.
Protein change: p.Met556Thr; replaces methionine 556 with threonine.
Molecular consequence: missense variant. On other transcripts: intron variant (2).
Genome position (GRCh38, 1-based): chr1:90,939,687, A>G on the plus strand (T>C on the coding strand, the complement: ZNF644 is on the minus strand). VCF-style: chr1-90939687-A-G. GRCh37 (hg19) VCF-style: chr1-91405244-A-G.
Other names: c.23-21533T>C (NM_032186.5, NM_016620.4); short protein forms M556T.
Identifiers: ClinVar variation 3896028 (VCV003896028.1).

ClinVar aggregate classification (germline): Uncertain significance (1 of 4 stars; one submission).

gnomAD v4.1: 7 of 1,613,926 alleles (0.00043%); highest among the groups gnomAD compares: Non-Finnish European, 0.00059%; no homozygotes.

Submission:

Women's Health and Genetics/Laboratory Corporation of America, LabCorp
Classification: Uncertain significance. Last evaluated: 2025-03-21. Review status: criteria provided, single submitter. Criteria: LabCorp Variant Classification Summary - May 2015. Collection method: clinical testing. Allele origin: germline.
Comment: Variant summary: ZNF644 c.1667T>C (p.Met556Thr) results in a non-conservative amino acid change in the encoded protein sequence. Four of five in-silico tools predict a benign effect of the variant on protein function. The variant was absent in 250042 control chromosomes. The available data on variant occurrences in the general population are insufficient to allow any conclusion about variant significance. To our knowledge, no occurrence of c.1667T>C in individuals affected with Myopia 21, Autosomal Dominant and no experimental evidence demonstrating its impact on protein function have been reported. No submitters have cited clinical-significance assessments for this variant to ClinVar. Based on the evidence outlined above, the variant was classified as uncertain significance.